The following is an entry in ClinVar:

ClinVar aggregate classification (germline): Uncertain significance (1 of 4 stars; one submission).

Conditions:
Cardiovascular phenotype. Identifiers: MedGen CN230736.

Submission:

Ambry Genetics
Classification: Uncertain significance for Cardiovascular phenotype. Last evaluated: 2021-11-28. Review status: criteria provided, single submitter. Criteria: Ambry Variant Classification Scheme 2023. Collection method: clinical testing. Allele origin: germline.
Comment: The p.P207T variant (also known as c.619C>A), located in coding exon 5 of the BRAF gene, results from a C to A substitution at nucleotide position 619. The proline at codon 207 is replaced by threonine, an amino acid with highly similar properties. This amino acid position is conserved. In addition, this alteration is predicted to be deleterious by in silico analysis. Since supporting evidence is limited at this time, the clinical significance of this alteration remains unclear.

NM_004333.6(BRAF):c.619C>A (p.Pro207Thr)

Gene: BRAF (B-Raf proto-oncogene, serine/threonine kinase; minus strand). Cytogenetic location: 7q34.
Variant type: single nucleotide variant.
Coding change: c.619C>A on transcript NM_004333.6 (MANE Select); coding-DNA position 619, C replaced by A.
Protein change: p.Pro207Thr; replaces proline 207 with threonine.
Molecular consequence: missense variant.
Genome position (GRCh38, 1-based): chr7:140,808,052, G>T on the plus strand (C>A on the coding strand, the complement: BRAF is on the minus strand). VCF-style: chr7-140808052-G-T. GRCh37 (hg19) VCF-style: chr7-140507852-G-T.
Other names: c.619C>A, p.Pro207Thr (NM_001374244.1, NM_001374258.1, NM_001378468.1 and 4 more transcripts); c.628C>A, p.Pro210Thr (NM_001378467.1); c.517C>A, p.Pro173Thr (NM_001378470.1); c.463C>A, p.Pro155Thr (NM_001378472.1, NM_001378473.1); c.355C>A, p.Pro119Thr (NM_001378475.1); short protein forms P155T, P173T, P119T, P207T, P210T.
Identifiers: ClinVar variation 1752146 (VCV001752146.2), dbSNP rs2536358464, ClinGen allele CA369591300.